The following is an entry in ClinVar:

ClinVar aggregate classification (germline): Pathogenic. Review status: criteria provided, multiple submitters, no conflicts (2 of 4 stars). 2 submissions from 2 submitters: Pathogenic (2). Last evaluated 2022-10-13.

Conditions:
Acrocephalosyndactyly type I (ACS1). Also called: Apert syndrome; Acrocephalo-syndactyly type 1; ACS 1; Syndactylic oxycephaly. Identifiers: Orphanet 87, MedGen C0001193, MONDO:0007041, OMIM 101200.
FGFR2-related craniosynostosis. Identifiers: MedGen CN231480.

Submissions (2):

Labcorp Genetics (formerly Invitae), Labcorp
Classification: Pathogenic for FGFR2-related craniosynostosis. Last evaluated: 2022-10-13. Review status: criteria provided, single submitter. Criteria: Invitae Variant Classification Sherloc (09022015). Collection method: clinical testing. Allele origin: germline.
Comment: ClinVar contains an entry for this variant (Variation ID: 1685821). For these reasons, this variant has been classified as Pathogenic. Studies have shown that disruption of this splice site results in skipping of exons 7-8, but is expected to preserve the integrity of the reading-frame (PMID: 9973282). This variant is also known as c.1119-2A>C. Disruption of this splice site has been observed in individuals with Pfeiffer and Apert syndromes (PMID: 7795583, 16418739, 25271085, 270283566). It has also been observed to segregate with disease in related individuals. This variant is not present in population databases (gnomAD no frequency). This sequence change affects an acceptor splice site in intron 7 of the FGFR2 gene. RNA analysis indicates that disruption of this splice site induces altered splicing and likely results in a shortened protein product.

Mendelics
Classification: Pathogenic for Acrocephalosyndactyly type I. Last evaluated: 2022-05-04. Review status: criteria provided, single submitter. Criteria: Mendelics Assertion Criteria 2019. Collection method: clinical testing. Allele origin: germline.

Literature cited by the submitters: PubMed 9973282 (cited by Labcorp Genetics (formerly Invitae), Labcorp); PubMed 7795583 (cited by Labcorp Genetics (formerly Invitae), Labcorp); PubMed 16418739 (cited by Labcorp Genetics (formerly Invitae), Labcorp); PubMed 25271085 (cited by Labcorp Genetics (formerly Invitae), Labcorp); PubMed 270283566 (cited by Labcorp Genetics (formerly Invitae), Labcorp).

NM_000141.5(FGFR2):c.940-2A>C

Gene: FGFR2 (fibroblast growth factor receptor 2; minus strand). Cytogenetic location: 10q26.13.
Variant type: single nucleotide variant.
Coding change: c.940-2A>C on transcript NM_000141.5 (MANE Select); the canonical splice acceptor site of the intron before coding-DNA position 940, A replaced by C.
Molecular consequence: splice acceptor variant. On other transcripts: intron variant (7).
Genome position (GRCh38, 1-based): chr10:121,517,465, T>G on the plus strand (A>C on the coding strand, the complement: FGFR2 is on the minus strand). VCF-style: chr10-121517465-T-G. GRCh37 (hg19) VCF-style: chr10-123276979-T-G.
Other names: c.749-2146A>C (NM_001144914.1); c.595-2A>C (NM_001144918.2, NM_001441091.1, NM_001441090.1 and 1 more transcripts); c.673-2A>C (NM_001441089.1, NM_023029.3, NM_001144915.2); c.820+1217A>C (NM_001441088.1, NM_001144919.2); c.939+2514A>C (NM_001144917.2); c.940-2A>C (NM_001320658.2); c.1087+1217A>C (NM_001441087.1, NM_022970.4, NM_001144913.1); c.256-2A>C (NM_001320654.2).
Identifiers: ClinVar variation 1685821 (VCV001685821.3), dbSNP rs1057519041, ClinGen allele CA378328632.